The following is an entry in ClinVar:

NM_001127222.2(CACNA1A):c.4248T>C (p.Cys1416=)

Genes: CACNA1A (calcium voltage-gated channel subunit alpha1 A; minus strand), LOC126862864 (MED14-independent group 3 enhancer GRCh37_chr19:13371552-13372751; plus strand). Cytogenetic location: 19p13.13.
Variant type: single nucleotide variant.
Coding change: c.4248T>C on transcript NM_001127222.2 (MANE Select); coding-DNA position 4248, T replaced by C.
Protein change: p.Cys1416=; no amino-acid change (cysteine 1416 retained).
Molecular consequence: synonymous variant.
Genome position (GRCh38, 1-based): chr19:13,261,452, A>G on the plus strand (T>C on the coding strand, the complement: CACNA1A is on the minus strand). VCF-style: chr19-13261452-A-G. GRCh37 (hg19) VCF-style: chr19-13372266-A-G.
Other names: c.4260T>C, p.Cys1420= (NM_000068.4, NM_023035.3); c.4251T>C, p.Cys1417= (NM_001127221.2, NM_001174080.2).
Identifiers: ClinVar variation 4084927 (VCV004084927.8).

ClinVar aggregate classification (germline): Likely benign (1 of 4 stars; one submission).

gnomAD v4.1: 1 of 1,569,724 alleles (0.000064%); highest among the groups gnomAD compares: Non-Finnish European, 0.000086%; no homozygotes.

Submission:

CeGaT Center for Human Genetics Tuebingen
Classification: Likely benign. Last evaluated: 2025-08-01. Review status: criteria provided, single submitter. Criteria: CeGaT Center For Human Genetics Tuebingen Variant Classification Criteria Version 2. Collection method: clinical testing. Allele origin: germline. Affected: yes. Observed: 1 variant allele.
Comment: CACNA1A: BP4, BP7